The following is an entry in ClinVar:

NM_002439.5(MSH3):c.340G>A (p.Gly114Arg)

Gene: MSH3 (mutS homolog 3; plus strand). Cytogenetic location: 5q14.1.
Variant type: single nucleotide variant.
Coding change: c.340G>A on transcript NM_002439.5 (MANE Select); coding-DNA position 340, G replaced by A.
Protein change: p.Gly114Arg; replaces glycine 114 with arginine.
Molecular consequence: missense variant.
Genome position (GRCh38, 1-based): chr5:80,656,513, G>A. VCF-style: chr5-80656513-G-A. GRCh37 (hg19) VCF-style: chr5-79952332-G-A.
Other names: short protein forms G114R.
Identifiers: ClinVar variation 1731163 (VCV001731163.7), dbSNP rs2546712288, ClinGen allele CA360266533.

ClinVar aggregate classification (germline): Uncertain significance. Review status: criteria provided, multiple submitters, no conflicts (2 of 4 stars). 2 submissions from 2 submitters: Uncertain significance (2). Last evaluated 2024-07-22.

Conditions:
Hereditary cancer-predisposing syndrome. Also called: Neoplastic Syndromes, Hereditary; Tumor predisposition; Hereditary Cancer Syndrome; Hereditary neoplastic syndrome. Identifiers: Orphanet 140162, MedGen C0027672, MeSH D009386, MONDO:0015356.

Submissions (2):

Labcorp Genetics (formerly Invitae), Labcorp
Classification: Uncertain significance. Last evaluated: 2024-07-22. Review status: criteria provided, single submitter. Criteria: Invitae Variant Classification Sherloc (09022015). Collection method: clinical testing. Allele origin: germline.
Comment: This sequence change replaces glycine, which is neutral and non-polar, with arginine, which is basic and polar, at codon 114 of the MSH3 protein (p.Gly114Arg). This variant is not present in population databases (gnomAD no frequency). This variant has not been reported in the literature in individuals affected with MSH3-related conditions. ClinVar contains an entry for this variant (Variation ID: 1731163). An algorithm developed to predict the effect of missense changes on protein structure and function (PolyPhen-2) suggests that this variant is likely to be tolerated. In summary, the available evidence is currently insufficient to determine the role of this variant in disease. Therefore, it has been classified as a Variant of Uncertain Significance.

Ambry Genetics
Classification: Uncertain significance for Hereditary cancer-predisposing syndrome. Last evaluated: 2021-09-28. Review status: criteria provided, single submitter. Criteria: Ambry Variant Classification Scheme 2023. Collection method: clinical testing. Allele origin: germline.
Comment: The p.G114R variant (also known as c.340G>A), located in coding exon 2 of the MSH3 gene, results from a G to A substitution at nucleotide position 340. The glycine at codon 114 is replaced by arginine, an amino acid with dissimilar properties. This amino acid position is poorly conserved in available vertebrate species. In addition, this alteration is predicted to be tolerated by in silico analysis. Since supporting evidence is limited at this time, the clinical significance of this alteration remains unclear.